The following is an entry in ClinVar:

ClinVar aggregate classification (germline): Likely benign. Review status: criteria provided, multiple submitters, no conflicts (2 of 4 stars). 2 submissions from 2 submitters: Likely benign (2). Last evaluated 2025-05-25.

Conditions:
Tuberous sclerosis 2 (TSC2). Identifiers: Orphanet 805, MedGen C1860707, MONDO:0013199, OMIM 613254.

Submissions (2):

Labcorp Genetics (formerly Invitae), Labcorp
Classification: Likely benign for Tuberous sclerosis 2. Last evaluated: 2025-05-25. Review status: criteria provided, single submitter. Criteria: Invitae Variant Classification Sherloc (09022015). Collection method: clinical testing. Allele origin: germline.

Myriad Genetics, Inc.
Classification: Likely benign for Tuberous sclerosis 2. Last evaluated: 2025-05-14. Review status: criteria provided, single submitter. Criteria: Myriad Autosomal Dominant, Autosomal Recessive and X-Linked Classification Criteria (2023). Collection method: clinical testing. Allele origin: unknown.
Comment: This variant is considered likely benign. This variant is intronic and is not expected to impact mRNA splicing.

NM_000548.5(TSC2):c.1362-7C>T

Gene: TSC2 (TSC complex subunit 2; plus strand). Cytogenetic location: 16p13.3.
Variant type: single nucleotide variant.
Coding change: c.1362-7C>T on transcript NM_000548.5 (MANE Select); 7 bases into the intron before coding-DNA position 1362, C replaced by T.
Molecular consequence: intron variant.
Genome position (GRCh38, 1-based): chr16:2,062,965, C>T. VCF-style: chr16-2062965-C-T. GRCh37 (hg19) VCF-style: chr16-2112966-C-T.
Other names: c.1362-7C>T (NM_001114382.3, NM_021055.3, NM_001370405.1 and 3 more transcripts); c.1251-7C>T (NM_001318827.2); c.762-7C>T (NM_001318831.2); c.1215-7C>T (NM_001318829.2); c.1395-7C>T (NM_001318832.2).
Identifiers: ClinVar variation 1138408 (VCV001138408.10), dbSNP rs1555501647, ClinGen allele CA2499223284.